The following is an entry in ClinVar:

NM_001378418.1(TCF20):c.161dup (p.Ser55fs)

Gene: TCF20 (transcription factor 20; minus strand). Cytogenetic location: 22q13.2.
Variant type: Duplication.
Coding change: c.161dup on transcript NM_001378418.1 (MANE Select); coding-DNA position 161, one base duplicated (G; older notation c.161dupG).
Protein change: p.Ser55fs; shifts the reading frame from serine 55.
Molecular consequence: frameshift variant.
Genome position (GRCh38, 1-based): chr22:42,215,145, C duplicated on the plus strand (G on the coding strand, the reverse complement: TCF20 is on the minus strand); the first of 2 consecutive C bases (chr22:42,215,145-42,215,146); duplicating either gives the same sequence. VCF-style (leftmost placement, unchanged base first): chr22-42215144-G-GC. GRCh37 (hg19) VCF-style: chr22-42611150-G-GC.
Other names: c.161dup, p.Ser55fs (NM_005650.4, NM_181492.3); short protein forms S55fs.
Identifiers: ClinVar variation 2698068 (VCV002698068.3), dbSNP rs2518248717, ClinGen allele CA2697552797.

ClinVar aggregate classification (germline): Pathogenic (1 of 4 stars; one submission).

Submission:

Labcorp Genetics (formerly Invitae), Labcorp
Classification: Pathogenic. Last evaluated: 2023-12-01. Review status: criteria provided, single submitter. Criteria: Invitae Variant Classification Sherloc (09022015). Collection method: clinical testing. Allele origin: germline.
Comment: This sequence change creates a premature translational stop signal (p.Ser55Glnfs*17) in the TCF20 gene. It is expected to result in an absent or disrupted protein product. Loss-of-function variants in TCF20 are known to be pathogenic (PMID: 30739909, 30819258). This variant is not present in population databases (gnomAD no frequency). This variant has not been reported in the literature in individuals affected with TCF20-related conditions. Algorithms developed to predict the effect of sequence changes on RNA splicing suggest that this variant may create or strengthen a splice site. For these reasons, this variant has been classified as Pathogenic.

Literature cited by the submitters: PubMed 30739909; PubMed 30819258.